The following is an entry in ClinVar:

NM_004795.4(KL):c.3033C>A (p.Tyr1011Ter)

Gene: KL (klotho; plus strand). Cytogenetic location: 13q13.1.
Variant type: single nucleotide variant.
Coding change: c.3033C>A on transcript NM_004795.4 (MANE Select); coding-DNA position 3033, C replaced by A.
Protein change: p.Tyr1011Ter; replaces tyrosine 1011 with a stop codon.
Molecular consequence: nonsense.
Genome position (GRCh38, 1-based): chr13:33,064,180, C>A. VCF-style: chr13-33064180-C-A. GRCh37 (hg19) VCF-style: chr13-33638317-C-A.
Other names: short protein forms Y1011*.
Identifiers: ClinVar variation 4693271 (VCV004693271.1).

ClinVar aggregate classification (germline): Uncertain significance (1 of 4 stars; one submission).

gnomAD v4.1: 7 of 1,594,532 alleles (0.00044%); highest among the groups gnomAD compares: Admixed American, 0.0017%; no homozygotes.

Submission:

Labcorp Genetics (formerly Invitae), Labcorp
Classification: Uncertain significance. Last evaluated: 2025-12-18. Review status: criteria provided, single submitter. Criteria: Invitae Variant Classification Sherloc (09022015). Collection method: clinical testing. Allele origin: germline.
Comment: This sequence change creates a premature translational stop signal (p.Tyr1011*) in the KL gene. While this is not anticipated to result in nonsense mediated decay, it is expected to disrupt the last 2 amino acid(s) of the KL protein. The frequency data for this variant in the population databases is considered unreliable, as metrics indicate poor data quality at this position in the gnomAD database. This variant has not been reported in the literature in individuals affected with KL-related conditions. Experimental studies and prediction algorithms are not available or were not evaluated, and the functional significance of this variant is currently unknown. In summary, the available evidence is currently insufficient to determine the role of this variant in disease. Therefore, it has been classified as a Variant of Uncertain Significance.